The following is an entry in ClinVar:

ClinVar aggregate classification (germline): Uncertain significance (1 of 4 stars; one submission).

gnomAD v4.1: 1 of 1,614,136 alleles (0.000062%); highest among the groups gnomAD compares: East Asian, 0.0022%; no homozygotes.

Submission:

ARUP Laboratories, Molecular Genetics and Genomics, ARUP Laboratories
Classification: Uncertain significance. Last evaluated: 2025-03-11. Review status: criteria provided, single submitter. Criteria: ARUP Molecular Germline Variant Investigation Process 2024. Collection method: clinical testing. Allele origin: germline.
Comment: The SMAD4 c.799A>G; p.Thr267Ala variant (rs1064793728), to our knowledge, is not reported in the medical literature or gene specific databases. This variant is also absent from the Genome Aggregation Database (v2.1.1), indicating it is not a common polymorphism. Computational analyses predict that this variant is neutral (REVEL: 0.111). Due to limited information, the clinical significance of this variant is uncertain at this time.

NM_005359.6(SMAD4):c.799A>G (p.Thr267Ala)

Gene: SMAD4 (SMAD family member 4; plus strand). Cytogenetic location: 18q21.2.
Variant type: single nucleotide variant.
Coding change: c.799A>G on transcript NM_005359.6 (MANE Select); coding-DNA position 799, A replaced by G.
Protein change: p.Thr267Ala; replaces threonine 267 with alanine.
Molecular consequence: missense variant. On other transcripts: non-coding transcript variant (2).
Genome position (GRCh38, 1-based): chr18:51,058,351, A>G. VCF-style: chr18-51058351-A-G. GRCh37 (hg19) VCF-style: chr18-48584721-A-G.
Other names: c.799A>G, p.Thr267Ala (NM_001407041.1, NM_001407042.1, NM_001407043.1); short protein forms T267A.
Identifiers: ClinVar variation 4685672 (VCV004685672.1).